The following is an entry in ClinVar:

ClinVar aggregate classification (germline): Likely benign. Review status: criteria provided, multiple submitters, no conflicts (2 of 4 stars). 2 submissions from 2 submitters: Likely benign (2). Last evaluated 2025-05-13.

Conditions:
PDE6A-related disorder. Also called: PDE6A-related condition.

Allele frequency attached by ClinVar (database versions not stated): gnomAD exomes below 0.00001; ExAC 0.00001; gnomAD 0.00001; TOPMed 0.00002.
gnomAD v4.1: 6 of 1,612,598 alleles (0.00037%); highest among the groups gnomAD compares: African/African-American, 0.0027%; no homozygotes.

Submissions (2):

PreventionGenetics, part of Exact Sciences
Classification: Likely benign for PDE6A-related condition. Last evaluated: 2025-05-13. Review status: criteria provided, single submitter. Criteria: ACMG Guidelines, 2015. Collection method: clinical testing. Allele origin: germline.
Comment: This variant is classified as likely benign based on ACMG/AMP sequence variant interpretation guidelines (Richards et al. 2015 PMID: 25741868, with internal and published modifications).

Labcorp Genetics (formerly Invitae), Labcorp
Classification: Likely benign. Last evaluated: 2022-08-22. Review status: criteria provided, single submitter. Criteria: Invitae Variant Classification Sherloc (09022015). Collection method: clinical testing. Allele origin: germline.

NM_000440.3(PDE6A):c.2046A>G (p.Gln682=)

Gene: PDE6A (phosphodiesterase 6A; minus strand). Cytogenetic location: 5q32.
Variant type: single nucleotide variant.
Coding change: c.2046A>G on transcript NM_000440.3 (MANE Select); coding-DNA position 2046, A replaced by G.
Protein change: p.Gln682=; no amino-acid change (glutamine 682 retained).
Molecular consequence: synonymous variant.
Genome position (GRCh38, 1-based): chr5:149,883,518, T>C on the plus strand (A>G on the coding strand, the complement: PDE6A is on the minus strand). VCF-style: chr5-149883518-T-C. GRCh37 (hg19) VCF-style: chr5-149263081-T-C.
Other names: c.2046A>G (NM_000440.2); c.1803A>G, p.Gln601= (NM_001410788.1).
Identifiers: ClinVar variation 1992436 (VCV001992436.5), dbSNP rs775420166, ClinGen allele CA3504418.